The following is an entry in ClinVar:

NM_001267550.2(TTN):c.65914C>T (p.Arg21972Cys)

Genes: TTN (titin; minus strand), TTN-AS1 (TTN antisense RNA 1; plus strand). Cytogenetic location: 2q31.2.
Variant type: single nucleotide variant.
Coding change: c.65914C>T on transcript NM_001267550.2 (MANE Select); coding-DNA position 65914, C replaced by T.
Protein change: p.Arg21972Cys; replaces arginine 21972 with cysteine.
Molecular consequence: missense variant.
Genome position (GRCh38, 1-based): chr2:178,582,542, G>A on the plus strand (C>T on the coding strand, the complement: TTN is on the minus strand). VCF-style: chr2-178582542-G-A. GRCh37 (hg19) VCF-style: chr2-179447269-G-A.
Other names: c.60991C>T, p.Arg20331Cys (NM_001256850.1); c.38719C>T, p.Arg12907Cys (NM_003319.4); c.58210C>T, p.Arg19404Cys (NM_133378.4); c.39094C>T, p.Arg13032Cys (NM_133432.3); c.39295C>T, p.Arg13099Cys (NM_133437.4); short protein forms R12907C, R13032C, R13099C, R19404C, R20331C, R21972C.
Identifiers: ClinVar variation 4530816 (VCV004530816.3).

ClinVar aggregate classification (germline): Uncertain significance. Review status: criteria provided, multiple submitters, no conflicts (2 of 4 stars). 2 submissions from 2 submitters: Uncertain significance (2). Last evaluated 2026-05-01.

gnomAD v4.1: 31 of 1,612,414 alleles (0.0019%); highest among the groups gnomAD compares: Middle Eastern, 0.017%; no homozygotes.

Submissions (2):

CeGaT Center for Human Genetics Tuebingen
Classification: Uncertain significance. Last evaluated: 2026-05-01. Review status: criteria provided, single submitter. Criteria: CeGaT Center For Human Genetics Tuebingen Variant Classification Criteria Version 2. Collection method: clinical testing. Allele origin: germline. Affected: yes. Observed: 1 variant allele.
Comment: TTN: PM2

GeneDx
Classification: Uncertain significance. Last evaluated: 2025-05-19. Review status: criteria provided, single submitter. Criteria: GeneDx Variant Classification Process June 2021. Collection method: clinical testing. Allele origin: germline. Affected: yes.
Comment: Not observed at significant frequency in large population cohorts (gnomAD); Missense variant in a gene in which most reported pathogenic variants are truncating/loss of function; Has not been previously published as pathogenic or benign to our knowledge